The following is an entry in ClinVar:

ClinVar aggregate classification (germline): Uncertain significance. Review status: criteria provided, multiple submitters, no conflicts (2 of 4 stars). 2 submissions from 2 submitters: Uncertain significance (2). Last evaluated 2025-07-14.

Conditions:
Inborn genetic diseases. Identifiers: MedGen C0950123, MeSH D030342.

gnomAD v4.1: 37 of 1,613,490 alleles (0.0023%); highest among the groups gnomAD compares: Non-Finnish European, 0.0031%; no homozygotes.

Submissions (2):

Ambry Genetics
Classification: Uncertain significance for Inborn genetic diseases. Last evaluated: 2025-07-14. Review status: criteria provided, single submitter. Criteria: Ambry Variant Classification Scheme 2023. Collection method: clinical testing. Allele origin: germline.
Comment: The p.P561L variant (also known as c.1682C>T), located in coding exon 16 of the DDX41 gene, results from a C to T substitution at nucleotide position 1682. The proline at codon 561 is replaced by leucine, an amino acid with similar properties. This amino acid position is highly conserved in available vertebrate species. In addition, this alteration is predicted to be deleterious by in silico analysis. Based on the available evidence, the clinical significance of this variant remains unclear.

GeneDx
Classification: Uncertain significance. Last evaluated: 2024-02-05. Review status: criteria provided, single submitter. Criteria: GeneDx Variant Classification Process June 2021. Collection method: clinical testing. Allele origin: germline. Affected: yes.
Comment: Not observed at significant frequency in large population cohorts (gnomAD); In silico analysis supports that this missense variant has a deleterious effect on protein structure/function; Has not been previously published as pathogenic or benign to our knowledge; This variant is associated with the following publications: (PMID: 37506341, 27721487)

NM_016222.4(DDX41):c.1682C>T (p.Pro561Leu)

Gene: DDX41 (DEAD-box helicase 41; minus strand). Cytogenetic location: 5q35.3.
Variant type: single nucleotide variant.
Coding change: c.1682C>T on transcript NM_016222.4 (MANE Select); coding-DNA position 1682, C replaced by T.
Protein change: p.Pro561Leu; replaces proline 561 with leucine.
Molecular consequence: missense variant.
Genome position (GRCh38, 1-based): chr5:177,512,146, G>A on the plus strand (C>T on the coding strand, the complement: DDX41 is on the minus strand). VCF-style: chr5-177512146-G-A. GRCh37 (hg19) VCF-style: chr5-176939147-G-A.
Other names: c.1304C>T, p.Pro435Leu (NM_001321732.2, NM_001321830.2); short protein forms P435L, P561L.
Identifiers: ClinVar variation 3368861 (VCV003368861.2).